The following is an entry in ClinVar:

ClinVar aggregate classification (germline): Likely benign. Review status: criteria provided, multiple submitters, no conflicts (2 of 4 stars). 2 submissions from 2 submitters: Likely benign (2). Last evaluated 2025-04-24.

Conditions:
SMPD1-related disorder. Also called: SMPD1-related condition.
Niemann-Pick disease, type A. Also called: SPHINGOMYELIN LIPIDOSIS; SPHINGOMYELINASE DEFICIENCY; Infantile Neurovisceral ASMD (Niemann-Pick Disease Type A; NPD-A). Identifiers: Orphanet 77292, MedGen C0268242, MONDO:0009756, OMIM 257200. Disease mechanism: loss of function.
Niemann-Pick disease, type B. Also called: Chronic Visceral ASMD (Niemann-Pick Disease Type B; NPD-B). Identifiers: Orphanet 77293, MedGen C0268243, MONDO:0011871, OMIM 607616. Disease mechanism: loss of function.

Allele frequency attached by ClinVar (database versions not stated): TOPMed 0.00001; gnomAD 0.00005 and 0.00006; ExAC 0.00012; ESP Exome Variant Server 0.00015.
gnomAD v4.1: 88 of 1,613,928 alleles (0.0055%); highest among the groups gnomAD compares: South Asian, 0.046%; no homozygotes.

Submissions (2):

PreventionGenetics, part of Exact Sciences
Classification: Likely benign for SMPD1-related condition. Last evaluated: 2025-04-24. Review status: criteria provided, single submitter. Criteria: ACMG Guidelines, 2015. Collection method: clinical testing. Allele origin: germline.
Comment: This variant is classified as likely benign based on ACMG/AMP sequence variant interpretation guidelines (Richards et al. 2015 PMID: 25741868, with internal and published modifications).

Labcorp Genetics (formerly Invitae), Labcorp
Classification: Likely benign for Niemann-Pick disease, type B; Niemann-Pick disease, type A. Last evaluated: 2024-12-05. Review status: criteria provided, single submitter. Criteria: Invitae Variant Classification Sherloc (09022015). Collection method: clinical testing. Allele origin: germline.

NM_000543.5(SMPD1):c.1091+13C>T

Gene: SMPD1 (sphingomyelin phosphodiesterase 1; plus strand). Cytogenetic location: 11p15.4.
Variant type: single nucleotide variant.
Coding change: c.1091+13C>T on transcript NM_000543.5 (MANE Select); 13 bases into the intron after coding-DNA position 1091, C replaced by T.
Molecular consequence: intron variant. On other transcripts: missense variant (1), synonymous variant (1).
Genome position (GRCh38, 1-based): chr11:6,392,169, C>T. VCF-style: chr11-6392169-C-T. GRCh37 (hg19) VCF-style: chr11-6413399-C-T.
Other names: c.143C>T, p.Pro48Leu (NM_001318088.2); c.1104C>T, p.Ser368= (NM_001365135.2); c.1091+13C>T (NM_001318087.2); c.1088+13C>T (NM_001007593.3); c.143C>T (NM_001318088.1); short protein forms P48L.
Identifiers: ClinVar variation 1640123 (VCV001640123.9), dbSNP rs371340833, ClinGen allele CA5852757.